The following is an entry in ClinVar:

ClinVar aggregate classification (germline): Uncertain significance. Review status: criteria provided, multiple submitters, no conflicts (2 of 4 stars). 2 submissions from 2 submitters: Uncertain significance (2). Last evaluated 2025-06-17.

gnomAD v4.1: 2 of 1,613,990 alleles (0.00012%); highest among the groups gnomAD compares: Middle Eastern, 0.033%; no homozygotes.

Submissions (2):

Women's Health and Genetics/Laboratory Corporation of America, LabCorp
Classification: Uncertain significance. Last evaluated: 2025-06-17. Review status: criteria provided, single submitter. Criteria: LabCorp Variant Classification Summary - May 2015. Collection method: clinical testing. Allele origin: germline.
Comment: Variant summary: ATP6V1A c.1461A>C (p.Glu487Asp) results in a conservative amino acid change in the encoded protein sequence. Algorithms developed to predict the effect of missense changes on protein structure and function are either unavailable or do not agree on the potential impact of this missense change. The variant allele was found at a frequency of 4e-06 in 251094 control chromosomes. The available data on variant occurrences in the general population are insufficient to allow any conclusion about variant significance. To our knowledge, no occurrence of c.1461A>C in individuals affected with Epileptic Encephalopathy, Infantile Or Early Childhood 3 and no experimental evidence demonstrating its impact on protein function have been reported. ClinVar contains an entry for this variant (Variation ID: 3681869). Based on the evidence outlined above, the variant was classified as uncertain significance.

Labcorp Genetics (formerly Invitae), Labcorp
Classification: Uncertain significance. Last evaluated: 2024-09-17. Review status: criteria provided, single submitter. Criteria: Invitae Variant Classification Sherloc (09022015). Collection method: clinical testing. Allele origin: germline.
Comment: This sequence change replaces glutamic acid, which is acidic and polar, with aspartic acid, which is acidic and polar, at codon 487 of the ATP6V1A protein (p.Glu487Asp). This variant is present in population databases (rs749603060, gnomAD no frequency). This variant has not been reported in the literature in individuals affected with ATP6V1A-related conditions. Invitae Evidence Modeling of protein sequence and biophysical properties (such as structural, functional, and spatial information, amino acid conservation, physicochemical variation, residue mobility, and thermodynamic stability) indicates that this missense variant is not expected to disrupt ATP6V1A protein function with a negative predictive value of 80%. In summary, the available evidence is currently insufficient to determine the role of this variant in disease. Therefore, it has been classified as a Variant of Uncertain Significance.

NM_001690.4(ATP6V1A):c.1461A>C (p.Glu487Asp)

Gene: ATP6V1A (ATPase H+ transporting V1 subunit A; plus strand). Cytogenetic location: 3q13.31.
Variant type: single nucleotide variant.
Coding change: c.1461A>C on transcript NM_001690.4 (MANE Select); coding-DNA position 1461, A replaced by C.
Protein change: p.Glu487Asp; replaces glutamic acid 487 with aspartic acid.
Molecular consequence: missense variant.
Genome position (GRCh38, 1-based): chr3:113,798,413, A>C. VCF-style: chr3-113798413-A-C. GRCh37 (hg19) VCF-style: chr3-113517260-A-C.
Other names: short protein forms E487D.
Identifiers: ClinVar variation 3681869 (VCV003681869.3).